The following is an entry in ClinVar:

NM_001009944.3(PKD1):c.4621A>T (p.Asn1541Tyr)

Gene: PKD1 (polycystin 1, transient receptor potential channel interacting; minus strand). Cytogenetic location: 16p13.3.
Variant type: single nucleotide variant.
Coding change: c.4621A>T on transcript NM_001009944.3 (MANE Select); coding-DNA position 4621, A replaced by T.
Protein change: p.Asn1541Tyr; replaces asparagine 1541 with tyrosine.
Molecular consequence: missense variant.
Genome position (GRCh38, 1-based): chr16:2,110,546, T>A on the plus strand (A>T on the coding strand, the complement: PKD1 is on the minus strand). VCF-style: chr16-2110546-T-A. GRCh37 (hg19) VCF-style: chr16-2160547-T-A.
Other names: c.4621A>T, p.Asn1541Tyr (NM_000296.4); short protein forms N1541Y.
Identifiers: ClinVar variation 4689924 (VCV004689924.1).

ClinVar aggregate classification (germline): Uncertain significance (1 of 4 stars; one submission).

Submission:

GeneDx
Classification: Uncertain significance. Last evaluated: 2025-07-29. Review status: criteria provided, single submitter. Criteria: GeneDx Variant Classification Process June 2021. Collection method: clinical testing. Allele origin: germline. Affected: yes.
Comment: Not observed at significant frequency in large population cohorts (gnomAD); In silico analysis supports that this missense variant has a deleterious effect on protein structure/function; Has not been previously published as pathogenic or benign to our knowledge